The following is an entry in ClinVar:

ClinVar aggregate classification (germline): Uncertain significance. Review status: criteria provided, multiple submitters, no conflicts (2 of 4 stars). 3 submissions from 3 submitters: Uncertain significance (3). Last evaluated 2025-12-22.

Conditions:
Muscular dystrophy-dystroglycanopathy (congenital with brain and eye anomalies), type A2. Also called: MUSCULAR DYSTROPHY-DYSTROGLYCANOPATHY (CONGENITAL WITH BRAIN AND EYE ANOMALIES), TYPE A, 2; WALKER-WARBURG SYNDROME OR MUSCLE-EYE-BRAIN DISEASE, POMT2-RELATED. Identifiers: Orphanet 588, Orphanet 899, MedGen C3150411, MONDO:0013154, OMIM 613150.
Muscular dystrophy-dystroglycanopathy (congenital with impaired intellectual development), type B, 2. Also called: Muscular dystrophy-dystroglycanopathy (congenital with intellectual disability), type B2; MUSCULAR DYSTROPHY, CONGENITAL, POMT2-RELATED. Identifiers: MedGen C3150416, MONDO:0013160, OMIM 613156.
Autosomal recessive limb-girdle muscular dystrophy type 2N. Also called: MUSCULAR DYSTROPHY-DYSTROGLYCANOPATHY, LIMB-GIRDLE, POMT2-RELATED; Muscular dystrophy-dystroglycanopathy (limb-girdle), type C, 2. Identifiers: Orphanet 206559, MedGen C3150418, MONDO:0013162, OMIM 613158.

Allele frequency attached by ClinVar (database versions not stated): TOPMed 0.00005.
gnomAD v4.1: 20 of 1,565,062 alleles (0.0013%); highest among the groups gnomAD compares: Admixed American, 0.036%; no homozygotes.

Submissions (3):

GeneDx
Classification: Uncertain significance. Last evaluated: 2025-12-22. Review status: criteria provided, single submitter. Criteria: GeneDx Variant Classification Process June 2021. Collection method: clinical testing. Allele origin: germline. Affected: yes.
Comment: In silico analysis suggests that this missense variant does not alter protein structure/function; Has not been previously published as pathogenic or benign to our knowledge

Labcorp Genetics (formerly Invitae), Labcorp
Classification: Uncertain significance for Muscular dystrophy-dystroglycanopathy (congenital with impaired intellectual development), type B, 2; Muscular dystrophy-dystroglycanopathy (congenital with brain and eye anomalies), type A2; Autosomal recessive limb-girdle muscular dystrophy type 2N. Last evaluated: 2024-01-22. Review status: criteria provided, single submitter. Criteria: Invitae Variant Classification Sherloc (09022015). Collection method: clinical testing. Allele origin: germline.
Comment: This sequence change replaces proline, which is neutral and non-polar, with arginine, which is basic and polar, at codon 45 of the POMT2 protein (p.Pro45Arg). This variant is present in population databases (rs753037500, gnomAD 0.06%). This variant has not been reported in the literature in individuals affected with POMT2-related conditions. ClinVar contains an entry for this variant (Variation ID: 451230). An algorithm developed to predict the effect of missense changes on protein structure and function (PolyPhen-2) suggests that this variant¬†is likely to be tolerated. In summary, the available evidence is currently insufficient to determine the role of this variant in disease. Therefore, it has been classified as a Variant of Uncertain Significance.

Revvity Omics, Revvity
Classification: Uncertain significance. Last evaluated: 2019-11-05. Review status: criteria provided, single submitter. Criteria: ACMG Guidelines, 2015. Collection method: clinical testing. Allele origin: germline.

NM_013382.7(POMT2):c.134C>G (p.Pro45Arg)

Gene: POMT2 (protein O-mannosyltransferase 2; minus strand). Cytogenetic location: 14q24.3.
Variant type: single nucleotide variant.
Coding change: c.134C>G on transcript NM_013382.7 (MANE Select); coding-DNA position 134, C replaced by G.
Protein change: p.Pro45Arg; replaces proline 45 with arginine.
Molecular consequence: missense variant.
Genome position (GRCh38, 1-based): chr14:77,320,548, G>C on the plus strand (C>G on the coding strand, the complement: POMT2 is on the minus strand). VCF-style: chr14-77320548-G-C. GRCh37 (hg19) VCF-style: chr14-77786891-G-C.
Other names: short protein forms P45R.
Identifiers: ClinVar variation 451230 (VCV000451230.11), dbSNP rs753037500, ClinGen allele CA7286270.
Genomic context (GRCh38, chr14:77,320,548, plus strand): 5'-GTCACCAAGGCCAGCAGGGCCCACCAGCCGACCGCCTCGAAGCGCCGTGAGCCCCAAGCA[G>C]GCCGTTTGGGGCTTCGCGCCACAGCCTCAGCGGCCACGTCCCGGCCTGCGGCCCTAGCAG-3'
Protein context (NP_037514.2, residues 35-55): AEAVARSPKR[Pro45Arg]AWGSRRFEAV